The following is an entry in ClinVar:

ClinVar aggregate classification (germline): Uncertain significance (1 of 4 stars; one submission).

Conditions:
Familial thoracic aortic aneurysm and aortic dissection (TAAD). Also called: Thoracic aortic aneurysms and dissections. Identifiers: Orphanet 91387, MedGen C4707243, MONDO:0019625.

Allele frequency attached by ClinVar (database versions not stated): gnomAD exomes below 0.00001.
gnomAD v4.1: 2 of 1,614,010 alleles (0.00012%); highest among the groups gnomAD compares: Non-Finnish European, 0.00017%; no homozygotes.

Submission:

Ambry Genetics
Classification: Uncertain significance for Familial thoracic aortic aneurysm and aortic dissection. Last evaluated: 2023-01-04. Review status: criteria provided, single submitter. Criteria: Ambry Variant Classification Scheme 2023. Collection method: clinical testing. Allele origin: germline.
Comment: The p.Q2849E variant (also known as c.8545C>G), located in coding exon 65 of the FBN2 gene, results from a C to G substitution at nucleotide position 8545. The glutamine at codon 2849 is replaced by glutamic acid, an amino acid with highly similar properties. This amino acid position is not well conserved in available vertebrate species. In addition, this alteration is predicted to be tolerated by in silico analysis. Since supporting evidence is limited at this time, the clinical significance of this alteration remains unclear.

NM_001999.4(FBN2):c.8545C>G (p.Gln2849Glu)

Gene: FBN2 (fibrillin 2; minus strand). Cytogenetic location: 5q23.3.
Variant type: single nucleotide variant.
Coding change: c.8545C>G on transcript NM_001999.4 (MANE Select); coding-DNA position 8545, C replaced by G.
Protein change: p.Gln2849Glu; replaces glutamine 2849 with glutamic acid.
Molecular consequence: missense variant.
Genome position (GRCh38, 1-based): chr5:128,259,649, G>C on the plus strand (C>G on the coding strand, the complement: FBN2 is on the minus strand). VCF-style: chr5-128259649-G-C. GRCh37 (hg19) VCF-style: chr5-127595341-G-C.
Other names: short protein forms Q2849E.
Identifiers: ClinVar variation 2448302 (VCV002448302.2), dbSNP rs2479600381, ClinGen allele CA360745512.